The following is an entry in ClinVar:

NM_139076.3(ABRAXAS1):c.1093A>G (p.Thr365Ala)

Gene: ABRAXAS1 (abraxas 1, BRCA1 A complex subunit; minus strand). Cytogenetic location: 4q21.23.
Variant type: single nucleotide variant.
Coding change: c.1093A>G on transcript NM_139076.3 (MANE Select); coding-DNA position 1093, A replaced by G.
Protein change: p.Thr365Ala; replaces threonine 365 with alanine.
Molecular consequence: missense variant.
Genome position (GRCh38, 1-based): chr4:83,462,606, T>C on the plus strand (A>G on the coding strand, the complement: ABRAXAS1 is on the minus strand). VCF-style: chr4-83462606-T-C. GRCh37 (hg19) VCF-style: chr4-84383759-T-C.
Other names: c.766A>G, p.Thr256Ala (NM_001345962.2); short protein forms T256A, T365A.
Identifiers: ClinVar variation 2450300 (VCV002450300.6), dbSNP rs1422799528, ClinGen allele CA357255163.

ClinVar aggregate classification (germline): Uncertain significance. Review status: criteria provided, multiple submitters, no conflicts (2 of 4 stars). 2 submissions from 2 submitters: Uncertain significance (2). Last evaluated 2025-04-07.

Allele frequency attached by ClinVar (database versions not stated): gnomAD 0.00001; gnomAD exomes 0.00001; TOPMed 0.00001.
gnomAD v4.1: 4 of 1,614,074 alleles (0.00025%); highest among the groups gnomAD compares: Admixed American, 0.0067%; no homozygotes.

Submissions (2):

Ambry Genetics
Classification: Uncertain significance. Last evaluated: 2025-04-07. Review status: criteria provided, single submitter. Criteria: Ambry Variant Classification Scheme 2023. Collection method: clinical testing. Allele origin: germline.
Comment: The p.T365A variant (also known as c.1093A>G), located in coding exon 9 of the FAM175A gene, results from an A to G substitution at nucleotide position 1093. The threonine at codon 365 is replaced by alanine, an amino acid with similar properties. This amino acid position is conserved. In addition, this alteration is predicted to be tolerated by in silico analysis. Since supporting evidence is limited at this time, the clinical significance of this alteration remains unclear.

Labcorp Genetics (formerly Invitae), Labcorp
Classification: Uncertain significance. Last evaluated: 2023-07-19. Review status: criteria provided, single submitter. Criteria: Invitae Variant Classification Sherloc (09022015). Collection method: clinical testing. Allele origin: germline.
Comment: This sequence change replaces threonine, which is neutral and polar, with alanine, which is neutral and non-polar, at codon 365 of the ABRAXAS1 protein (p.Thr365Ala). This variant is present in population databases (no rsID available, gnomAD 0.01%). This variant has not been reported in the literature in individuals affected with ABRAXAS1-related conditions. ClinVar contains an entry for this variant (Variation ID: 2450300). An algorithm developed to predict the effect of missense changes on protein structure and function (PolyPhen-2) suggests that this variant is likely to be tolerated. In summary, the available evidence is currently insufficient to determine the role of this variant in disease. Therefore, it has been classified as a Variant of Uncertain Significance.